The following is an entry in ClinVar:

ClinVar aggregate classification (germline): Conflicting classifications of pathogenicity. Review status: criteria provided, conflicting classifications (1 of 4 stars). 7 submissions from 6 submitters: Uncertain significance (2); Benign (1); Likely benign (2). 2 of the submissions do not count toward it. Last evaluated 2025-12-04.

Conditions:
GNE-related disorder. Also called: GNE-related condition.
Sialuria. Also called: Sialic Acid Storage Disease; SIALURIA, FRENCH TYPE. Identifiers: Orphanet 3166, MedGen C0342853, MONDO:0010028, OMIM 269921.
GNE myopathy (NM). Also called: NONAKA DISTAL MYOPATHY; IBM 2; Inclusion body myopathy autosomal recessive; Inclusion body myopathy quadriceps sparing; INCLUSION BODY MYOPATHY, HEREDITARY, AUTOSOMAL RECESSIVE; INCLUSION BODY MYOPATHY 2, AUTOSOMAL RECESSIVE. Identifiers: Orphanet 602, MedGen C1853926, MONDO:0011603, OMIM 605820.

Allele frequency attached by ClinVar (database versions not stated): gnomAD exomes 0.00001 and 0.00008; TOPMed 0.00003; gnomAD 0.00004; ExAC 0.00007; 1000 Genomes Project 0.00020; 1000 Genomes Project 30x 0.00031.
gnomAD v4.1: 26 of 1,613,610 alleles (0.0016%); highest among the groups gnomAD compares: Admixed American, 0.037%; no homozygotes.

Submissions (7):

Labcorp Genetics (formerly Invitae), Labcorp
Classification: Likely benign for Sialuria; GNE myopathy. Last evaluated: 2025-12-04. Review status: criteria provided, single submitter. Criteria: Invitae Variant Classification Sherloc (09022015). Collection method: clinical testing. Allele origin: germline.

Illumina Laboratory Services, Illumina
Classification: Benign for Sialuria. Last evaluated: 2018-01-13. Review status: criteria provided, single submitter. Criteria: ICSL Variant Classification Criteria 13 December 2019. Collection method: clinical testing. Allele origin: germline.
Comment: This variant was observed in the ICSL laboratory as part of a predisposition screen in an ostensibly healthy population. It had not been previously curated by ICSL or reported in the Human Gene Mutation Database (HGMD: prior to June 1st, 2018), and was therefore a candidate for classification through an automated scoring system. Utilizing variant allele frequency, disease prevalence and penetrance estimates, and inheritance mode, an automated score was calculated to assess if this variant is too frequent to cause the disease. Based on the score and internal cut-off values, a variant classified as benign is not then subjected to further curation. The score for this variant resulted in a classification of benign for this disease.

Illumina Laboratory Services, Illumina
Classification: Uncertain significance for GNE myopathy. Last evaluated: 2018-01-13. Review status: criteria provided, single submitter. Criteria: ICSL Variant Classification Criteria 13 December 2019. Collection method: clinical testing. Allele origin: germline.

GeneDx
Classification: Likely benign. Last evaluated: 2016-10-04. Review status: criteria provided, single submitter. Criteria: GeneDx Variant Classification (06012015). Collection method: clinical testing. Allele origin: germline. Affected: yes.
Comment: This variant is considered likely benign or benign based on one or more of the following criteria: it is a conservative change, it occurs at a poorly conserved position in the protein, it is predicted to be benign by multiple in silico algorithms, and/or has population frequency not consistent with disease.

Eurofins Ntd Llc (ga)
Classification: Uncertain significance. Last evaluated: 2015-10-30. Review status: criteria provided, single submitter. Criteria: EGL Classification Definitions 2015. Collection method: clinical testing. Allele origin: germline. Observed: 2 variant alleles, 2 heterozygotes.

PreventionGenetics, part of Exact Sciences
Classification: Likely benign for GNE-related condition. Last evaluated: 2020-11-07. Review status: no assertion criteria provided. Collection method: clinical testing. Allele origin: germline. Not counted in ClinVar's aggregate classification.
Comment: This variant is classified as likely benign based on ACMG/AMP sequence variant interpretation guidelines (Richards et al. 2015 PMID: 25741868, with internal and published modifications).

Natera, Inc.
Classification: Uncertain significance for Nonaka myopathy. Last evaluated: 2020-01-24. Review status: no assertion criteria provided. Collection method: clinical testing. Allele origin: germline. Not counted in ClinVar's aggregate classification.

NM_005476.7(GNE):c.1908G>A (p.Ala636=)

Gene: GNE (glucosamine (UDP-N-acetyl)-2-epimerase/N-acetylmannosamine kinase; minus strand). Cytogenetic location: 9p13.3.
Variant type: single nucleotide variant.
Coding change: c.1908G>A on transcript NM_005476.7 (MANE Select); coding-DNA position 1908, G replaced by A.
Protein change: p.Ala636=; no amino-acid change (alanine 636 retained).
Molecular consequence: synonymous variant.
Genome position (GRCh38, 1-based): chr9:36,218,208, C>T on the plus strand (G>A on the coding strand, the complement: GNE is on the minus strand). VCF-style: chr9-36218208-C-T. GRCh37 (hg19) VCF-style: chr9-36218205-C-T.
Other names: c.2001G>A, p.Ala667= (NM_001128227.3); c.1686G>A, p.Ala562= (NM_001190383.3); c.1578G>A, p.Ala526= (NM_001190384.3); c.1731G>A, p.Ala577= (NM_001190388.2, NM_001374798.1); c.1755G>A, p.Ala585= (NM_001374797.1).
Identifiers: ClinVar variation 284448 (VCV000284448.22), dbSNP rs200812140, ClinGen allele CA5056395.